The following is an entry in ClinVar:

NM_020831.6(MRTFA):c.2324A>G (p.Asn775Ser)

Gene: MRTFA (myocardin related transcription factor A; minus strand). Cytogenetic location: 22q13.1.
Variant type: single nucleotide variant.
Coding change: c.2324A>G on transcript NM_020831.6 (MANE Select); coding-DNA position 2324, A replaced by G.
Protein change: p.Asn775Ser; replaces asparagine 775 with serine.
Molecular consequence: missense variant.
Genome position (GRCh38, 1-based): chr22:40,418,414, T>C on the plus strand (A>G on the coding strand, the complement: MRTFA is on the minus strand). VCF-style: chr22-40418414-T-C. GRCh37 (hg19) VCF-style: chr22-40814418-T-C.
Other names: c.2024A>G, p.Asn675Ser (NM_001282660.2); c.2174A>G, p.Asn725Ser (NM_001282661.3); c.2324A>G, p.Asn775Ser (NM_001282662.3); c.2129A>G, p.Asn710Ser (NM_001318139.2); short protein forms N710S, N725S, N675S, N775S.
Identifiers: ClinVar variation 4728554 (VCV004728554.1).

ClinVar aggregate classification (germline): Uncertain significance (1 of 4 stars; one submission).

Submission:

Labcorp Genetics (formerly Invitae), Labcorp
Classification: Uncertain significance. Last evaluated: 2025-10-06. Review status: criteria provided, single submitter. Criteria: Invitae Variant Classification Sherloc (09022015). Collection method: clinical testing. Allele origin: germline.
Comment: This sequence change replaces asparagine, which is neutral and polar, with serine, which is neutral and polar, at codon 675 of the MKL1 protein (p.Asn675Ser). This variant is not present in population databases (gnomAD no frequency). This variant has not been reported in the literature in individuals affected with MKL1-related conditions. An algorithm developed to predict the effect of missense changes on protein structure and function outputs the following: PolyPhen-2: "Benign". The serine amino acid residue is found in multiple mammalian species, which suggests that this missense change does not adversely affect protein function. In summary, the available evidence is currently insufficient to determine the role of this variant in disease. Therefore, it has been classified as a Variant of Uncertain Significance.